The following is an entry in ClinVar:

NM_080425.4(GNAS):c.2069-5337C>A

Gene: GNAS (GNAS complex locus; plus strand). Cytogenetic location: 20q13.32.
Variant type: single nucleotide variant.
Coding change: c.2069-5337C>A on transcript NM_080425.4 (MANE Plus Clinical); 5337 bases into the intron before coding-DNA position 2069, C replaced by A.
Molecular consequence: intron variant.
Genome position (GRCh38, 1-based): chr20:58,890,275, C>A. VCF-style: chr20-58890275-C-A. GRCh37 (hg19) VCF-style: chr20-57465330-C-A.
Other names: c.*43-5337C>A (NM_016592.5); c.44-5337C>A (NM_001410912.1); c.-38-5337C>A (NM_001309861.2); c.*1-5337C>A (NM_001077490.3); c.2069-5337C>A (NM_001410913.1); c.*159-5337C>A (NM_001309883.1); c.-39+922C>A (NM_001438273.1, NM_001309840.2); c.-39+943C>A (NM_001439291.1, NM_001438274.1).
Identifiers: ClinVar variation 2652444 (VCV002652444.22), dbSNP rs1004749489, ClinGen allele CA316318857.

ClinVar aggregate classification (germline): Likely benign (1 of 4 stars; one submission).

Allele frequency attached by ClinVar (database versions not stated): gnomAD 0.00135.
gnomAD v4.1: 202 of 150,924 alleles (0.13%); highest among the groups gnomAD compares: Non-Finnish European, 0.23%; no homozygotes.

Submission:

CeGaT Center for Human Genetics Tuebingen
Classification: Likely benign. Last evaluated: 2026-09-01. Review status: criteria provided, single submitter. Criteria: CeGaT Center For Human Genetics Tuebingen Variant Classification Criteria Version 2. Collection method: clinical testing. Allele origin: germline. Affected: yes. Observed: 13 variant alleles.
Comment: GNAS: BS1